The following is an entry in ClinVar:

ClinVar aggregate classification (germline): Uncertain significance. Review status: criteria provided, multiple submitters, no conflicts (2 of 4 stars). 2 submissions from 2 submitters: Uncertain significance (2). Last evaluated 2025-06-06.

Conditions:
Inborn genetic diseases. Identifiers: MedGen C0950123, MeSH D030342.
Progressive sclerosing poliodystrophy (MTDPS4A). Also called: ALPERS PROGRESSIVE INFANTILE POLIODYSTROPHY; NEURONAL DEGENERATION OF CHILDHOOD WITH LIVER DISEASE, PROGRESSIVE; Alpers Syndrome; ALPERS DIFFUSE DEGENERATION OF CEREBRAL GRAY MATTER WITH HEPATIC CIRRHOSIS; Alpers-Huttenlocher Syndrome; Mitochondrial DNA depletion syndrome 4A (Alpers type). Identifiers: Orphanet 726, MedGen C0205710, MONDO:0008758, OMIM 203700.

Submissions (2):

Ambry Genetics
Classification: Uncertain significance for Inborn genetic diseases. Last evaluated: 2025-06-06. Review status: criteria provided, single submitter. Criteria: Ambry Variant Classification Scheme 2023. Collection method: clinical testing. Allele origin: germline.

Labcorp Genetics (formerly Invitae), Labcorp
Classification: Uncertain significance for Progressive sclerosing poliodystrophy. Last evaluated: 2023-07-25. Review status: criteria provided, single submitter. Criteria: Invitae Variant Classification Sherloc (09022015). Collection method: clinical testing. Allele origin: germline.
Comment: In summary, the available evidence is currently insufficient to determine the role of this variant in disease. Therefore, it has been classified as a Variant of Uncertain Significance. Advanced modeling of protein sequence and biophysical properties (such as structural, functional, and spatial information, amino acid conservation, physicochemical variation, residue mobility, and thermodynamic stability) performed at Invitae indicates that this missense variant is expected to disrupt POLG protein function. This sequence change replaces asparagine, which is neutral and polar, with aspartic acid, which is acidic and polar, at codon 761 of the POLG protein (p.Asn761Asp). This variant is not present in population databases (gnomAD no frequency). This variant has not been reported in the literature in individuals affected with POLG-related conditions.

NM_002693.3(POLG):c.2281A>G (p.Asn761Asp)

Gene: POLG (DNA polymerase gamma, catalytic subunit; minus strand). Cytogenetic location: 15q26.1.
Variant type: single nucleotide variant.
Coding change: c.2281A>G on transcript NM_002693.3 (MANE Select); coding-DNA position 2281, A replaced by G.
Protein change: p.Asn761Asp; replaces asparagine 761 with aspartic acid.
Molecular consequence: missense variant.
Genome position (GRCh38, 1-based): chr15:89,322,887, T>C on the plus strand (A>G on the coding strand, the complement: POLG is on the minus strand). VCF-style: chr15-89322887-T-C. GRCh37 (hg19) VCF-style: chr15-89866118-T-C.
Other names: c.2281A>G, p.Asn761Asp (NM_001126131.2); short protein forms N761D.
Identifiers: ClinVar variation 2746322 (VCV002746322.4), dbSNP rs2509227273, ClinGen allele CA393756572.